The following is an entry in ClinVar:

NM_000327.4(ROM1):c.252C>G (p.Ser84Arg)

Gene: ROM1 (retinal outer segment membrane protein 1; plus strand). Cytogenetic location: 11q12.3.
Variant type: single nucleotide variant.
Coding change: c.252C>G on transcript NM_000327.4 (MANE Select); coding-DNA position 252, C replaced by G.
Protein change: p.Ser84Arg; replaces serine 84 with arginine.
Molecular consequence: missense variant.
Genome position (GRCh38, 1-based): chr11:62,613,533, C>G. VCF-style: chr11-62613533-C-G. GRCh37 (hg19) VCF-style: chr11-62381005-C-G.
Other names: short protein forms S84R.
Identifiers: ClinVar variation 1349701 (VCV001349701.6), dbSNP rs2134421079, ClinGen allele CA380969125.

ClinVar aggregate classification (germline): Uncertain significance (1 of 4 stars; one submission).

Submission:

Labcorp Genetics (formerly Invitae), Labcorp
Classification: Uncertain significance. Last evaluated: 2023-03-11. Review status: criteria provided, single submitter. Criteria: Invitae Variant Classification Sherloc (09022015). Collection method: clinical testing. Allele origin: germline.
Comment: This variant has not been reported in the literature in individuals affected with ROM1-related conditions. This variant is not present in population databases (gnomAD no frequency). This sequence change replaces serine, which is neutral and polar, with arginine, which is basic and polar, at codon 84 of the ROM1 protein (p.Ser84Arg). ClinVar contains an entry for this variant (Variation ID: 1349701). In summary, the available evidence is currently insufficient to determine the role of this variant in disease. Therefore, it has been classified as a Variant of Uncertain Significance. Advanced modeling of protein sequence and biophysical properties (such as structural, functional, and spatial information, amino acid conservation, physicochemical variation, residue mobility, and thermodynamic stability) performed at Invitae indicates that this missense variant is not expected to disrupt ROM1 protein function.